The following is an entry in ClinVar:

NM_207037.2(TCF12):c.20dup (p.Met8fs)

Gene: TCF12 (transcription factor 12; plus strand). Cytogenetic location: 15q21.3.
Variant type: Duplication.
Coding change: c.20dup on transcript NM_207037.2 (MANE Select); coding-DNA position 20, one base duplicated (G; older notation c.20dupG).
Protein change: p.Met8fs; shifts the reading frame from methionine 8.
Molecular consequence: frameshift variant. On other transcripts: 5 prime UTR variant (3).
Genome position (GRCh38, 1-based): chr15:56,919,933, G duplicated. VCF-style (leftmost placement, unchanged base first): chr15-56919932-C-CG. GRCh37 (hg19) VCF-style: chr15-57212130-C-CG.
Other names: c.20dup, p.Met8fs (NM_001322151.2, NM_001322152.2, NM_001322157.3 and 8 more transcripts); c.-633dup (NM_001322154.2); c.-217dup (NM_001322156.2, NM_001322158.2); short protein forms M8fs.
Identifiers: ClinVar variation 1805150 (VCV001805150.1), dbSNP rs2548905982, ClinGen allele CA2573050784.

ClinVar aggregate classification (germline): Uncertain significance (1 of 4 stars; one submission).

Conditions:
Hypogonadism with anosmia (KS). Also called: Kallmann syndrome; Anosmic idiopathic hypogonadotropic hypogonadism; Hypogonadotropic hypogonadism-anosmia syndrome; Dysplasia olfactogenitalis of De Morsier (formerly); Anosmic hypogonadism. Identifiers: Orphanet 478, MedGen C0162809, MONDO:0018800.

Submission:

Victorian Clinical Genetics Services, Murdoch Childrens Research Institute
Classification: Uncertain significance for Hypogonadism with anosmia. Last evaluated: 2022-02-02. Review status: criteria provided, single submitter. Criteria: ACMG Guidelines, 2015. Collection method: clinical testing. Allele origin: germline. Inheritance: Autosomal dominant inheritance.
Comment: Based on the classification scheme VCGS_Germline_v1.3.4, this variant is classified as VUS-3A. Following criteria are met: 0102 - Loss of function is a known mechanism of disease in this gene and is associated with TCF12-related conditions. (I) 0107 - This gene is associated with autosomal dominant disease. However, one affected homozygous individual has been reported (PMID:32629054). (I) 0112 - The condition associated with this gene has incomplete penetrance. Two families have been described where unaffected parents and their affected children both have the same TCF12 variant (PMID:32629054). (I) 0204 - Variant is predicted to result in a truncated protein (premature termination codon is located within the first 102 nucleotides of the coding sequence and is predicted to escape nonsense-mediated decay). (SP) 0251 - This variant is heterozygous. (I) 0301 - Variant is absent from gnomAD (both v2 and v3). (SP) 0705 - No comparable truncating variants have previous evidence for pathogenicity. (I) 0807 - This variant has no previous evidence of pathogenicity. (I) 0905 - No published segregation evidence has been identified for this variant. (I) 1007 - No published functional evidence has been identified for this variant. (I) 1208 - Inheritance information for this variant is not currently available in this individual. (I) Legend: (SP) - Supporting pathogenic, (I) - Information, (SB) - Supporting benign

Literature cited by the submitters: PubMed 32629054.